The following is an entry in ClinVar:

NM_024675.4(PALB2):c.769G>C (p.Gly257Arg)

Gene: PALB2 (partner and localizer of BRCA2; minus strand). Cytogenetic location: 16p12.2.
Variant type: single nucleotide variant.
Coding change: c.769G>C on transcript NM_024675.4 (MANE Select); coding-DNA position 769, G replaced by C.
Protein change: p.Gly257Arg; replaces glycine 257 with arginine.
Molecular consequence: missense variant.
Genome position (GRCh38, 1-based): chr16:23,635,777, C>G on the plus strand (G>C on the coding strand, the complement: PALB2 is on the minus strand). VCF-style: chr16-23635777-C-G. GRCh37 (hg19) VCF-style: chr16-23647098-C-G.
Other names: short protein forms G257R.
Identifiers: ClinVar variation 420829 (VCV000420829.7), dbSNP rs587780824, ClinGen allele CA16620155.

ClinVar aggregate classification (germline): Conflicting classifications of pathogenicity. Review status: criteria provided, conflicting classifications (1 of 4 stars). 3 submissions from 3 submitters: Uncertain significance (2); Likely benign (1). Last evaluated 2024-03-14.

Conditions:
Hereditary cancer-predisposing syndrome. Also called: Hereditary neoplastic syndrome; Tumor predisposition; Neoplastic Syndromes, Hereditary; Hereditary Cancer Syndrome. Identifiers: Orphanet 140162, MedGen C0027672, MeSH D009386, MONDO:0015356.
Familial cancer of breast. Also called: Hereditary breast cancer; BREAST CANCER, FAMILIAL; hereditary breast carcinoma. Identifiers: Orphanet 227535, MedGen C0346153, MONDO:0016419, OMIM 114480. Disease mechanism: loss of function.

Submissions (3):

Ambry Genetics
Classification: Likely benign for Hereditary cancer-predisposing syndrome. Last evaluated: 2024-03-14. Review status: criteria provided, single submitter. Criteria: Ambry Variant Classification Scheme 2023. Collection method: clinical testing. Allele origin: germline.

Labcorp Genetics (formerly Invitae), Labcorp
Classification: Uncertain significance for Familial cancer of breast. Last evaluated: 2024-01-09. Review status: criteria provided, single submitter. Criteria: Invitae Variant Classification Sherloc (09022015). Collection method: clinical testing. Allele origin: germline.
Comment: This sequence change replaces glycine, which is neutral and non-polar, with arginine, which is basic and polar, at codon 257 of the PALB2 protein (p.Gly257Arg). This variant is not present in population databases (gnomAD no frequency). This variant has not been reported in the literature in individuals affected with PALB2-related conditions. ClinVar contains an entry for this variant (Variation ID: 420829). Algorithms developed to predict the effect of missense changes on protein structure and function output the following: SIFT: "Not Available"; PolyPhen-2: "Benign"; Align-GVGD: "Not Available". The arginine amino acid residue is found in multiple mammalian species, which suggests that this missense change does not adversely affect protein function. In summary, the available evidence is currently insufficient to determine the role of this variant in disease. Therefore, it has been classified as a Variant of Uncertain Significance.

GeneDx
Classification: Uncertain significance. Last evaluated: 2016-03-29. Review status: criteria provided, single submitter. Criteria: GeneDx Variant Classification (06012015). Collection method: clinical testing. Allele origin: germline. Affected: yes.
Comment: This variant is denoted PALB2 c.769G>C at the cDNA level, p.Gly257Arg (G257R) at the protein level, and results in the change of a Glycine to an Arginine (GGT>CGT). This variant has not, to our knowledge, been published in the literature as pathogenic or benign. PALB2 Gly257Arg was not observed in approximately 6,500 individuals of European and African American ancestry in the NHLBI Exome Sequencing Project, suggesting it is not a common benign variant in these populations. Since Glycine and Arginine differ in polarity, charge, size or other properties, this is considered a non-conservative amino acid substitution. PALB2 Gly257Arg occurs at a position that is not conserved and is located within a DNA-binding region as well as the region of interaction with BRCA1 (UniProt). In silico analyses predict that this variant is unlikely to alter protein structure or function. Based on currently available evidence, it is unclear whether PALB2 Gly257Arg is pathogenic or benign. We consider it to be a variant of uncertain significance.